The following is an entry in ClinVar:

ClinVar aggregate classification (germline): Uncertain significance (1 of 4 stars; one submission).

Conditions:
Neurofibromatosis, type 1 (NF1). Also called: Peripheral type neurofibromatosis; Neurofibromatosis, type I; VON RECKLINGHAUSEN DISEASE; NEUROFIBROMATOSIS, TYPE I, SOMATIC. Identifiers: Orphanet 636, MedGen C0027831, MONDO:0018975, OMIM 162200. Disease mechanism: loss of function.

Submission:

Labcorp Genetics (formerly Invitae), Labcorp
Classification: Uncertain significance for Neurofibromatosis, type 1. Last evaluated: 2020-08-15. Review status: criteria provided, single submitter. Criteria: Invitae Variant Classification Sherloc (09022015). Collection method: clinical testing. Allele origin: germline.
Comment: This sequence change replaces glutamic acid with glutamine at codon 1238 of the NF1 protein (p.Glu1238Gln). The glutamic acid residue is moderately conserved and there is a small physicochemical difference between glutamic acid and glutamine. This variant is not present in population databases (ExAC no frequency). This variant has not been reported in the literature in individuals with NF1-related conditions. Advanced modeling of protein sequence and biophysical properties (such as structural, functional, and spatial information, amino acid conservation, physicochemical variation, residue mobility, and thermodynamic stability) performed at Invitae indicates that this missense variant is expected to disrupt NF1 protein function. In summary, the available evidence is currently insufficient to determine the role of this variant in disease. Therefore, it has been classified as a Variant of Uncertain Significance.

NM_001042492.3(NF1):c.3712G>C (p.Glu1238Gln)

Gene: NF1 (neurofibromin 1; plus strand). Cytogenetic location: 17q11.2.
Variant type: single nucleotide variant.
Coding change: c.3712G>C on transcript NM_001042492.3 (MANE Select); coding-DNA position 3712, G replaced by C.
Protein change: p.Glu1238Gln; replaces glutamic acid 1238 with glutamine.
Molecular consequence: missense variant.
Genome position (GRCh38, 1-based): chr17:31,235,614, G>C. VCF-style: chr17-31235614-G-C. GRCh37 (hg19) VCF-style: chr17-29562632-G-C.
Other names: c.3712G>C, p.Glu1238Gln (NM_000267.4); short protein forms E1238Q.
Identifiers: ClinVar variation 1055730 (VCV001055730.5), dbSNP rs1060500346, ClinGen allele CA398992279.
Genomic context (GRCh38, chr17:31,235,614, plus strand): 5'-CTACCTAAGAATAAAAATGGGATTGTTTGCACTAACCTGATTTTGTTTTGTTCTCAGGAT[G>C]AACTAGCTCGAGTTCTGGTTACTCTGTTTGATTCTCGGCATTTACTCTACCAACTGCTCT-3'
Protein context (NP_001035957.1, residues 1228-1248): ANVVPCSQWD[Glu1238Gln]LARVLVTLFD